The following is an entry in ClinVar:

ClinVar aggregate classification (germline): Uncertain significance. Review status: criteria provided, single submitter (1 of 4 stars). 2 submissions from 2 submitters: Uncertain significance (1). 1 of the submissions does not count toward it. Last evaluated 2022-09-27.

Conditions:
COL4A2-related disorder. Also called: COL4A2-related disorders; COL4A2-related condition.

Allele frequency attached by ClinVar (database versions not stated): gnomAD exomes 0.00001; TOPMed 0.00001; gnomAD 0.00002.
gnomAD v4.1: 17 of 1,614,040 alleles (0.0011%); highest among the groups gnomAD compares: South Asian, 0.0033%; no homozygotes.

Submissions (2):

Labcorp Genetics (formerly Invitae), Labcorp
Classification: Uncertain significance. Last evaluated: 2022-09-27. Review status: criteria provided, single submitter. Criteria: Invitae Variant Classification Sherloc (09022015). Collection method: clinical testing. Allele origin: germline.
Comment: This sequence change replaces proline, which is neutral and non-polar, with leucine, which is neutral and non-polar, at codon 1439 of the COL4A2 protein (p.Pro1439Leu). In summary, the available evidence is currently insufficient to determine the role of this variant in disease. Therefore, it has been classified as a Variant of Uncertain Significance. Advanced modeling of protein sequence and biophysical properties (such as structural, functional, and spatial information, amino acid conservation, physicochemical variation, residue mobility, and thermodynamic stability) performed at Invitae indicates that this missense variant is not expected to disrupt COL4A2 protein function. This variant has not been reported in the literature in individuals affected with COL4A2-related conditions. This variant is present in population databases (rs538325329, gnomAD 0.003%).

PreventionGenetics, part of Exact Sciences
Classification: Uncertain significance for COL4A2-related condition. Last evaluated: 2024-09-18. Review status: no assertion criteria provided. Collection method: clinical testing. Allele origin: germline. Not counted in ClinVar's aggregate classification.
Comment: The COL4A2 c.4316C>T variant is predicted to result in the amino acid substitution p.Pro1439Leu. To our knowledge, this variant has not been reported in the literature. This variant is reported in 0.0033% of alleles in individuals of South Asian descent in gnomAD. At this time, the clinical significance of this variant is uncertain due to the absence of conclusive functional and genetic evidence.

NM_001846.4(COL4A2):c.4316C>T (p.Pro1439Leu)

Genes: COL4A2 (collagen type IV alpha 2 chain; plus strand), COL4A2-AS1 (COL4A2 antisense RNA 1; minus strand). Cytogenetic location: 13q34.
Variant type: single nucleotide variant.
Coding change: c.4316C>T on transcript NM_001846.4 (MANE Select); coding-DNA position 4316, C replaced by T.
Protein change: p.Pro1439Leu; replaces proline 1439 with leucine.
Molecular consequence: missense variant.
Genome position (GRCh38, 1-based): chr13:110,504,178, C>T. VCF-style: chr13-110504178-C-T. GRCh37 (hg19) VCF-style: chr13-111156525-C-T.
Other names: c.4316C>T (NM_001846.3); short protein forms P1439L.
Identifiers: ClinVar variation 2421780 (VCV002421780.7), dbSNP rs538325329, ClinGen allele CA256307514.
Genomic context (GRCh38, chr13:110,504,178, plus strand): 5'-CAGCCATAACGCTTCTTTGGTGGCTTGCAGGTTTCCGTGGGGCTCCAGGGAAAGCTGGGC[C>T]CCAAGGAAGAGGTGGTGTGTCTGCTGTTCCCGGCTTCCGGGGAGATGAAGGACCCATAGG-3'
Protein context (NP_001837.2, residues 1429-1449): GFRGAPGKAG[Pro1439Leu]QGRGGVSAVP